The following is an entry in ClinVar:

NM_003072.5(SMARCA4):c.1183del (p.Asp395fs)

Gene: SMARCA4 (SWI/SNF related BAF chromatin remodeling complex subunit ATPase 4; plus strand). Cytogenetic location: 19p13.2.
Variant type: Deletion.
Coding change: c.1183del on transcript NM_003072.5 (MANE Select); coding-DNA position 1183, one base deleted (G; older notation c.1183delG).
Protein change: p.Asp395fs; shifts the reading frame from aspartic acid 395.
Molecular consequence: frameshift variant. On other transcripts: non-coding transcript variant (1).
Genome position (GRCh38, 1-based): chr19:10,989,381, G deleted; the last of 4 consecutive G bases (chr19:10,989,378-10,989,381); deleting any one gives the same sequence. VCF-style (leftmost placement, unchanged base first): chr19-10989377-CG-C. GRCh37 (hg19) VCF-style: chr19-11100053-CG-C.
Other names: c.1183del, p.Asp395fs (NM_001128844.3, NM_001128845.2, NM_001128846.2 and 6 more transcripts); short protein forms D395fs.
Identifiers: ClinVar variation 2452828 (VCV002452828.2), dbSNP rs2514090823, ClinGen allele CA2580096381.

ClinVar aggregate classification (germline): Pathogenic (1 of 4 stars; one submission).

Conditions:
Hereditary cancer-predisposing syndrome. Also called: Neoplastic Syndromes, Hereditary; Tumor predisposition; Hereditary neoplastic syndrome; Hereditary Cancer Syndrome. Identifiers: Orphanet 140162, MedGen C0027672, MeSH D009386, MONDO:0015356.

Submission:

Ambry Genetics
Classification: Pathogenic for Hereditary cancer-predisposing syndrome. Last evaluated: 2022-11-09. Review status: criteria provided, single submitter. Criteria: Ambry Variant Classification Scheme 2023. Collection method: clinical testing. Allele origin: germline.
Comment: The c.1183delG pathogenic mutation, located in coding exon 6 of the SMARCA4 gene, results from a deletion of one nucleotide at nucleotide position 1183, causing a translational frameshift with a predicted alternate stop codon (p.D395Ifs*16). Loss-of-function variants in SMARCA4 are known to cause rhabdoid tumor predisposition syndrome including small cell carcinoma of the ovary-hypercalcemic type (SCCOHT); however, such associations with neurodevelopmental disorders are exceedingly rare (Kosho T et al. Am J Med Genet C Semin Med Genet. 2014 Sep;166C(3):262-75; Jelinic P et al. Nat Genet. 2014 May;46(5):424-6). This alteration is expected to result in loss of function by premature protein truncation or nonsense-mediated mRNA decay. Based on the supporting evidence, this alteration is pathogenic for rhabdoid tumor predisposition syndrome; however, the association of this alteration with Coffin-Siris syndrome is unlikely.